The following is an entry in ClinVar:

ClinVar aggregate classification (germline): Pathogenic (1 of 4 stars; one submission).

Conditions:
Primary ciliary dyskinesia. Also called: Ciliary dyskinesia. Identifiers: Orphanet 244, MedGen C0008780, MONDO:0016575, HP:0012265.

Submission:

Labcorp Genetics (formerly Invitae), Labcorp
Classification: Pathogenic for Primary ciliary dyskinesia. Last evaluated: 2021-09-21. Review status: criteria provided, single submitter. Criteria: Invitae Variant Classification Sherloc (09022015). Collection method: clinical testing. Allele origin: germline.
Comment: This sequence change creates a premature translational stop signal (p.Glu3228*) in the DNAH5 gene. It is expected to result in an absent or disrupted protein product. Loss-of-function variants in DNAH5 are known to be pathogenic (PMID: 11788826, 16627867). This variant is not present in population databases (ExAC no frequency). This variant has not been reported in the literature in individuals affected with DNAH5-related conditions. For these reasons, this variant has been classified as Pathogenic.

Literature cited by the submitters: PubMed 11788826; PubMed 16627867.

NM_001369.3(DNAH5):c.9682G>T (p.Glu3228Ter)

Gene: DNAH5 (dynein axonemal heavy chain 5; minus strand). Cytogenetic location: 5p15.2.
Variant type: single nucleotide variant.
Coding change: c.9682G>T on transcript NM_001369.3 (MANE Select); coding-DNA position 9682, G replaced by T.
Protein change: p.Glu3228Ter; replaces glutamic acid 3228 with a stop codon.
Molecular consequence: nonsense.
Genome position (GRCh38, 1-based): chr5:13,769,539, C>A on the plus strand (G>T on the coding strand, the complement: DNAH5 is on the minus strand). VCF-style: chr5-13769539-C-A. GRCh37 (hg19) VCF-style: chr5-13769648-C-A.
Other names: short protein forms E3228*.
Identifiers: ClinVar variation 1407771 (VCV001407771.6), dbSNP rs2126779627, ClinGen allele CA359202966.